The following is an entry in ClinVar:

ClinVar aggregate classification (germline): Uncertain significance. Review status: criteria provided, multiple submitters, no conflicts (2 of 4 stars). 3 submissions from 3 submitters: Uncertain significance (3). Last evaluated 2025-08-26.

Conditions:
Hereditary cancer-predisposing syndrome. Also called: Neoplastic Syndromes, Hereditary; Hereditary Cancer Syndrome; Tumor predisposition; Hereditary neoplastic syndrome. Identifiers: Orphanet 140162, MedGen C0027672, MeSH D009386, MONDO:0015356.
Isolated focal cortical dysplasia type II (FCORD2). Also called: CORTICAL DYSPLASIA OF TAYLOR; Focal cortical dysplasia type II. Identifiers: Orphanet 268994, MedGen C1846385, MONDO:0011818, OMIM 607341, HP:0032051.
Tuberous sclerosis 2 (TSC2). Identifiers: Orphanet 805, MedGen C1860707, MONDO:0013199, OMIM 613254.

Submissions (3):

Ambry Genetics
Classification: Uncertain significance for Hereditary cancer-predisposing syndrome. Last evaluated: 2025-08-26. Review status: criteria provided, single submitter. Criteria: Ambry Variant Classification Scheme 2023. Collection method: clinical testing. Allele origin: germline.
Comment: The p.S758P variant (also known as c.2272T>C), located in coding exon 20 of the TSC2 gene, results from a T to C substitution at nucleotide position 2272. The serine at codon 758 is replaced by proline, an amino acid with similar properties. This amino acid position is conserved. In addition, this alteration is predicted to be deleterious by in silico analysis. Based on the available evidence, the clinical significance of this variant remains unclear.

Baylor Genetics
Classification: Uncertain significance for Isolated focal cortical dysplasia type II. Last evaluated: 2023-06-16. Review status: criteria provided, single submitter. Criteria: ACMG Guidelines, 2015. Collection method: clinical testing. Allele origin: unknown.

Labcorp Genetics (formerly Invitae), Labcorp
Classification: Uncertain significance for Tuberous sclerosis 2. Last evaluated: 2022-03-01. Review status: criteria provided, single submitter. Criteria: Invitae Variant Classification Sherloc (09022015). Collection method: clinical testing. Allele origin: germline.
Comment: In summary, the available evidence is currently insufficient to determine the role of this variant in disease. Therefore, it has been classified as a Variant of Uncertain Significance. Advanced modeling of protein sequence and biophysical properties (such as structural, functional, and spatial information, amino acid conservation, physicochemical variation, residue mobility, and thermodynamic stability) performed at Invitae indicates that this missense variant is not expected to disrupt TSC2 protein function. This variant has not been reported in the literature in individuals affected with TSC2-related conditions. This variant is not present in population databases (gnomAD no frequency). This sequence change replaces serine, which is neutral and polar, with proline, which is neutral and non-polar, at codon 758 of the TSC2 protein (p.Ser758Pro).

NM_000548.5(TSC2):c.2272T>C (p.Ser758Pro)

Gene: TSC2 (TSC complex subunit 2; plus strand). Cytogenetic location: 16p13.3.
Variant type: single nucleotide variant.
Coding change: c.2272T>C on transcript NM_000548.5 (MANE Select); coding-DNA position 2272, T replaced by C.
Protein change: p.Ser758Pro; replaces serine 758 with proline.
Molecular consequence: missense variant.
Genome position (GRCh38, 1-based): chr16:2,072,900, T>C. VCF-style: chr16-2072900-T-C. GRCh37 (hg19) VCF-style: chr16-2122901-T-C.
Other names: c.2272T>C (NM_000548.3); c.2272T>C, p.Ser758Pro (NM_001077183.3, NM_001114382.3, NM_001363528.2 and 3 more transcripts); c.2161T>C, p.Ser721Pro (NM_001318827.2); c.2125T>C, p.Ser709Pro (NM_001318829.2); c.1672T>C, p.Ser558Pro (NM_001318831.2); c.2305T>C, p.Ser769Pro (NM_001318832.2); short protein forms S721P, S709P, S558P, S758P, S769P.
Identifiers: ClinVar variation 1438202 (VCV001438202.11), dbSNP rs2151327279, ClinGen allele CA394276555.